The following is an entry in ClinVar:

NM_032043.3(BRIP1):c.3311_3315del (p.Glu1104fs)

Gene: BRIP1 (BRCA1 interacting DNA helicase 1; minus strand). Cytogenetic location: 17q23.2.
Variant type: Deletion.
Coding change: c.3311_3315del on transcript NM_032043.3 (MANE Select); coding-DNA positions 3311 to 3315, 5 bases deleted (AATTG; older notation c.3311_3315delAATTG).
Protein change: p.Glu1104fs; shifts the reading frame from glutamic acid 1104.
Molecular consequence: frameshift variant.
Genome position (GRCh38, 1-based): chr17:61,683,731-61,683,735, CAATT deleted on the plus strand (AATTG on the coding strand, the reverse complement: BRIP1 is on the minus strand); deleting any 5 consecutive bases within chr17:61,683,731-61,683,739 gives the same sequence; the c. name uses the placement nearest the transcript's 3' end. VCF-style (leftmost placement, unchanged base first): chr17-61683730-ACAATT-A. GRCh37 (hg19) VCF-style: chr17-59761091-ACAATT-A.
Other names: short protein forms E1104fs.
Identifiers: ClinVar variation 3754803 (VCV003754803.2).

ClinVar aggregate classification (germline): Uncertain significance (1 of 4 stars; one submission).

Conditions:
Fanconi anemia complementation group J. Also called: BRIP1-Related Fanconi Anemia. Identifiers: Orphanet 84, MedGen C1836860, MONDO:0012187, OMIM 609054.
Familial cancer of breast. Also called: BREAST CANCER, FAMILIAL; Hereditary breast cancer; hereditary breast carcinoma. Identifiers: Orphanet 227535, MedGen C0346153, MONDO:0016419, OMIM 114480. Disease mechanism: loss of function.

Submission:

Labcorp Genetics (formerly Invitae), Labcorp
Classification: Uncertain significance for Familial cancer of breast; Fanconi anemia complementation group J. Last evaluated: 2025-07-15. Review status: criteria provided, single submitter. Criteria: Invitae Variant Classification Sherloc (09022015). Collection method: clinical testing. Allele origin: germline.
Comment: This sequence change creates a premature translational stop signal (p.Glu1104Valfs*5) in the BRIP1 gene. While this is not anticipated to result in nonsense mediated decay, it is expected to disrupt the last 146 amino acid(s) of the BRIP1 protein. This variant is not present in population databases (gnomAD no frequency). This variant has not been reported in the literature in individuals affected with BRIP1-related conditions. ClinVar contains an entry for this variant (Variation ID: 3754803). In summary, the available evidence is currently insufficient to determine the role of this variant in disease. Therefore, it has been classified as a Variant of Uncertain Significance.